The following is an entry in ClinVar:

NM_001375524.1(TRRAP):c.5560A>G (p.Ile1854Val)

Gene: TRRAP (transformation/transcription domain associated protein; plus strand). Cytogenetic location: 7q22.1.
Variant type: single nucleotide variant.
Coding change: c.5560A>G on transcript NM_001375524.1 (MANE Select); coding-DNA position 5560, A replaced by G.
Protein change: p.Ile1854Val; replaces isoleucine 1854 with valine.
Molecular consequence: missense variant.
Genome position (GRCh38, 1-based): chr7:98,953,263, A>G. VCF-style: chr7-98953263-A-G. GRCh37 (hg19) VCF-style: chr7-98550886-A-G.
Other names: c.5539A>G, p.Ile1847Val (NM_001244580.2); c.5485A>G, p.Ile1829Val (NM_003496.4); short protein forms I1829V, I1854V, I1847V.
Identifiers: ClinVar variation 2229094 (VCV002229094.2), dbSNP rs782471002, ClinGen allele CA4360609.

ClinVar aggregate classification (germline): Uncertain significance (1 of 4 stars; one submission).

Conditions:
Inborn genetic diseases. Identifiers: MedGen C0950123, MeSH D030342.

Allele frequency attached by ClinVar (database versions not stated): ExAC 0.00001.
gnomAD v4.1: 11 of 1,613,586 alleles (0.00068%); highest among the groups gnomAD compares: Middle Eastern, 0.016%; no homozygotes.

Submission:

Ambry Genetics
Classification: Uncertain significance for Inborn genetic diseases. Last evaluated: 2021-02-01. Review status: criteria provided, single submitter. Criteria: Ambry Variant Classification Scheme 2023. Collection method: clinical testing. Allele origin: germline.
Comment: The c.5539A>G (p.I1847V) alteration is located in exon 39 (coding exon 38) of the TRRAP gene. This alteration results from a A to G substitution at nucleotide position 5539, causing the isoleucine (I) at amino acid position 1847 to be replaced by a valine (V). The p.I1847V alteration is predicted to be tolerated by in silico analysis. Based on insufficient or conflicting evidence, the clinical significance of this alteration remains unclear.